The following is an entry in ClinVar:

ClinVar aggregate classification (germline): Pathogenic (1 of 4 stars; one submission).

Conditions:
Intellectual developmental disorder, X-linked 19. Also called: Intellectual disability, X-linked 19. Identifiers: Orphanet 777, MedGen C0796225, MONDO:0010447, OMIM 300844.
Coffin-Lowry syndrome (CLS). Also called: COFFIN-LOWRY SYNDROME, MILD; Mental retardation with osteocartilaginous abnormalities. Identifiers: Orphanet 192, MedGen C0265252, MONDO:0010561, OMIM 303600.

Submission:

Labcorp Genetics (formerly Invitae), Labcorp
Classification: Pathogenic for Coffin-Lowry syndrome; Intellectual developmental disorder, X-linked 19. Last evaluated: 2019-06-04. Review status: criteria provided, single submitter. Criteria: Invitae Variant Classification Sherloc (09022015). Collection method: clinical testing. Allele origin: germline.
Comment: This sequence change creates a premature translational stop signal (p.Tyr615*) in the RPS6KA3 gene. It is expected to result in an absent or disrupted protein product. This variant is not present in population databases (ExAC no frequency). This variant has not been reported in the literature in individuals with RPS6KA3-related conditions. ClinVar contains an entry for this variant (Variation ID: 566835). Loss-of-function variants in RPS6KA3 are known to be pathogenic (PMID: 9837815, 19888300). For these reasons, this variant has been classified as Pathogenic.

Literature cited by the submitters: PubMed 9837815; PubMed 19888300.

NM_004586.3(RPS6KA3):c.1845del (p.Gly614_Tyr615insTer)

Gene: RPS6KA3 (ribosomal protein S6 kinase A3; minus strand). Cytogenetic location: Xp22.12.
Variant type: Deletion.
Coding change: c.1845del on transcript NM_004586.3 (MANE Select); coding-DNA position 1845, one base deleted (C; older notation c.1845delC).
Protein change: p.Gly614_Tyr615insTer.
Molecular consequence: nonsense.
Genome position (GRCh38, 1-based): chrX:20,161,758, G deleted on the plus strand (C on the coding strand, the reverse complement: RPS6KA3 is on the minus strand). VCF-style (leftmost placement, unchanged base first): chrX-20161757-TG-T. GRCh37 (hg19) VCF-style: chrX-20179875-TG-T.
Other names: c.1845del (NM_004586.2).
Identifiers: ClinVar variation 566835 (VCV000566835.9), dbSNP rs1569190602, ClinGen allele CA891844441.